The following is an entry in ClinVar:

ClinVar aggregate classification (germline): Uncertain significance. Review status: criteria provided, multiple submitters, no conflicts (2 of 4 stars). 2 submissions from 2 submitters: Uncertain significance (2). Last evaluated 2026-03-27.

Conditions:
Cardiovascular phenotype. Identifiers: MedGen CN230736.

gnomAD v4.1: 2 of 1,614,094 alleles (0.00012%); highest among the groups gnomAD compares: South Asian, 0.0011%; no homozygotes.

Submissions (2):

Molecular Diagnostic Laboratory for Inherited Cardiovascular Disease, Montreal Heart Institute
Classification: Uncertain significance for Cardiovascular phenotype. Last evaluated: 2026-03-27. Review status: criteria provided, single submitter. Criteria: ACMG Guidelines, 2015. Collection method: clinical testing. Allele origin: germline. Affected: yes.
Comment: PM2

Blueprint Genetics
Classification: Uncertain significance. Last evaluated: 2023-07-20. Review status: criteria provided, single submitter. Criteria: ACMG Guidelines, 2015. Collection method: clinical testing. Allele origin: germline.

NM_181486.4(TBX5):c.749T>C (p.Met250Thr)

Gene: TBX5 (T-box transcription factor 5; minus strand). Cytogenetic location: 12q24.21.
Variant type: single nucleotide variant.
Coding change: c.749T>C on transcript NM_181486.4 (MANE Select); coding-DNA position 749, T replaced by C.
Protein change: p.Met250Thr; replaces methionine 250 with threonine.
Molecular consequence: missense variant.
Genome position (GRCh38, 1-based): chr12:114,385,482, A>G on the plus strand (T>C on the coding strand, the complement: TBX5 is on the minus strand). VCF-style: chr12-114385482-A-G. GRCh37 (hg19) VCF-style: chr12-114823287-A-G.
Other names: c.749T>C, p.Met250Thr (NM_000192.3); c.599T>C, p.Met200Thr (NM_080717.4); short protein forms M200T, M250T.
Identifiers: ClinVar variation 4820485 (VCV004820485.2), dbSNP rs1870760108.